The following is an entry in ClinVar:

NM_002230.4(JUP):c.777C>T (p.Gly259=)

Gene: JUP (junction plakoglobin; minus strand). Cytogenetic location: 17q21.2.
Variant type: single nucleotide variant.
Coding change: c.777C>T on transcript NM_002230.4 (MANE Select); coding-DNA position 777, C replaced by T.
Protein change: p.Gly259=; no amino-acid change (glycine 259 retained).
Molecular consequence: synonymous variant.
Genome position (GRCh38, 1-based): chr17:41,767,511, G>A on the plus strand (C>T on the coding strand, the complement: JUP is on the minus strand). VCF-style: chr17-41767511-G-A. GRCh37 (hg19) VCF-style: chr17-39923763-G-A.
Other names: p.G259G:GGC>GGT; p.Gly259=; c.777C>T, p.Gly259= (NM_001352773.2, NM_001352774.2, NM_001352775.2 and 3 more transcripts); c.777C>T (NM_002230.3).
Identifiers: ClinVar variation 45857 (VCV000045857.41), dbSNP rs34890640, ClinGen allele CA137235.

ClinVar aggregate classification (germline): Conflicting classifications of pathogenicity. Review status: criteria provided, conflicting classifications (1 of 4 stars). 15 submissions from 14 submitters: Uncertain significance (1); Benign (8); Likely benign (2). 4 of the submissions do not count toward it. Last evaluated 2026-02-01.

Conditions:
JUP-related disorder. Also called: JUP-related condition.
Arrhythmogenic right ventricular dysplasia 12. Also called: ARRHYTHMOGENIC RIGHT VENTRICULAR DYSPLASIA, FAMILIAL, 12. Identifiers: MedGen C1969081, MONDO:0012684, OMIM 611528.
Naxos disease (NXD). Also called: CARDIOMYOPATHY, ARRHYTHMOGENIC RIGHT VENTRICULAR, WITH SKIN, HAIR, AND NAIL ABNORMALITIES; KERATOSIS PALMOPLANTARIS WITH ARRHYTHMOGENIC CARDIOMYOPATHY; MAL DE NAXOS; PALMOPLANTAR KERATODERMA WITH ARRHYTHMOGENIC RIGHT VENTRICULAR CARDIOMYOPATHY AND WOOLLY HAIR; WOOLLY HAIR, PALMOPLANTAR KERATODERMA, AND CARDIAC ABNORMALITIES. Identifiers: Orphanet 34217, MedGen C1832600, MONDO:0011017, OMIM 601214.
Cardiomyopathy (CMYO). Also called: Cardiomyopathies. Identifiers: Orphanet 167848, MedGen C0878544, MONDO:0004994, HP:0001638. Inheritance: Various modes of inheritance.

Allele frequency attached by ClinVar (database versions not stated): gnomAD exomes 0.00048 and 0.00118; ExAC 0.00152; gnomAD 0.00469 and 0.00507; TOPMed 0.00530; 1000 Genomes Project 0.00539; ESP Exome Variant Server 0.00561; 1000 Genomes Project 30x 0.00562.
gnomAD v4.1: 1,429 of 1,609,316 alleles (0.089%); highest among the groups gnomAD compares: African/African-American, 1.7%; 23 homozygotes.

Submissions (15):

Labcorp Genetics (formerly Invitae), Labcorp
Classification: Benign for Arrhythmogenic right ventricular dysplasia 12; Naxos disease. Last evaluated: 2026-02-01. Review status: criteria provided, single submitter. Criteria: Invitae Variant Classification Sherloc (09022015). Collection method: clinical testing. Allele origin: germline.

Molecular Diagnostic Laboratory for Inherited Cardiovascular Disease, Montreal Heart Institute
Classification: Benign. Last evaluated: 2025-04-09. Review status: criteria provided, single submitter. Criteria: ACMG Guidelines, 2015. Collection method: clinical testing. Allele origin: germline. Affected: no.

ARUP Laboratories, Molecular Genetics and Genomics, ARUP Laboratories
Classification: Benign. Last evaluated: 2025-04-02. Review status: criteria provided, single submitter. Criteria: ARUP Molecular Germline Variant Investigation Process 2024. Collection method: clinical testing. Allele origin: germline.

Blueprint Genetics
Classification: Likely benign. Last evaluated: 2024-11-27. Review status: criteria provided, single submitter. Criteria: ACMG Guidelines, 2015. Collection method: clinical testing. Allele origin: germline.

Mayo Clinic Laboratories, Mayo Clinic
Classification: Benign. Last evaluated: 2022-01-15. Review status: criteria provided, single submitter. Criteria: ACMG Guidelines, 2015. Collection method: clinical testing. Allele origin: germline. Observed: 6 variant alleles.

Illumina Laboratory Services, Illumina
Classification: Likely benign for Arrhythmogenic right ventricular dysplasia 12. Last evaluated: 2018-01-13. Review status: criteria provided, single submitter. Criteria: ICSL Variant Classification Criteria 13 December 2019. Collection method: clinical testing. Allele origin: germline.
Comment: This variant was observed in the ICSL laboratory as part of a predisposition screen in an ostensibly healthy population. It had not been previously curated by ICSL or reported in the Human Gene Mutation Database (HGMD: prior to June 1st, 2018), and was therefore a candidate for classification through an automated scoring system. Utilizing variant allele frequency, disease prevalence and penetrance estimates, and inheritance mode, an automated score was calculated to assess if this variant is too frequent to cause the disease. Based on the score and internal cut-off values, a variant classified as likely benign is not then subjected to further curation. The score for this variant resulted in a classification of likely benign for this disease.

Illumina Laboratory Services, Illumina
Classification: Uncertain significance for Naxos disease. Last evaluated: 2018-01-13. Review status: criteria provided, single submitter. Criteria: ICSL Variant Classification Criteria 13 December 2019. Collection method: clinical testing. Allele origin: germline.

Women's Health and Genetics/Laboratory Corporation of America, LabCorp
Classification: Benign. Last evaluated: 2016-09-05. Review status: criteria provided, single submitter. Criteria: LabCorp Variant Classification Summary - May 2015. Collection method: clinical testing. Allele origin: germline.
Comment: Variant summary: The JUP c.777C>T (p.Gly259Gly) variant involves the alteration of a non-conserved nucleotide, resulting in a synonymous change. 5/5 splice prediction tools predict no significant impact on normal splicing. This variant was found in 184/121102 control chromosomes (5 homozygotes), predominantly observed in the African subpopulation at a frequency of 0.0167598 (174/10382). This frequency is about 1676 times the estimated maximal expected allele frequency of a pathogenic JUP variant (0.00001), suggesting this is likely a benign polymorphism found primarily in the populations of African origin. In addition, multiple clinical diagnostic laboratories have classified this variant as benign. The variant of interest has been reported in one sample with carcinoma of large intestine as a somatic occurrence without strong evidence for pathogenicity (COSMIC). Taken together, this variant is classified as Benign.

CHEO Genetics Diagnostic Laboratory, Children's Hospital of Eastern Ontario
Classification: Benign for Cardiomyopathy. Last evaluated: 2016-06-17. Review status: criteria provided, single submitter. Criteria: ACMG Guidelines, 2015. Collection method: clinical testing. Allele origin: germline. Study: Canadian Open Genetics Repository.

GeneDx
Classification: Benign. Last evaluated: 2014-01-27. Review status: criteria provided, single submitter. Criteria: GeneDx Variant Classification (06012015). Collection method: clinical testing. Allele origin: germline. Affected: yes.
Comment: This variant is considered likely benign or benign based on one or more of the following criteria: it is a conservative change, it occurs at a poorly conserved position in the protein, it is predicted to be benign by multiple in silico algorithms, and/or has population frequency not consistent with disease.

Laboratory for Molecular Medicine, Mass General Brigham Personalized Medicine
Classification: Benign. Last evaluated: 2012-09-14. Review status: criteria provided, single submitter. Criteria: LMM Criteria. Collection method: clinical testing. Allele origin: germline. Observed: 5 variant alleles.
Comment: Gly259Gly in Exon 05 of JUP: This variant is not expected to have clinical signi ficance because it does not alter an amino acid residue, is not located within t he splice consensus sequence and has been identified in 1.7% (63/3738) of Africa n American chromosomes from a broad population by the NHLBI Exome Sequencing Pro ject (dbSNP rs34890640).

PreventionGenetics, part of Exact Sciences
Classification: Benign for JUP-related condition. Last evaluated: 2019-09-13. Review status: no assertion criteria provided. Collection method: clinical testing. Allele origin: germline. Not counted in ClinVar's aggregate classification.
Comment: This variant is classified as benign based on ACMG/AMP sequence variant interpretation guidelines (Richards et al. 2015 PMID: 25741868, with internal and published modifications).

Clinical Genetics DNA and cytogenetics Diagnostics Lab, Erasmus MC, Erasmus Medical Center
Classification: Benign. Review status: no assertion criteria provided. Collection method: clinical testing. Allele origin: germline. Affected: yes. Study: VKGL Data-share Consensus. Not counted in ClinVar's aggregate classification.

Clinical Genetics, Academic Medical Center
Classification: Benign. Review status: no assertion criteria provided. Collection method: clinical testing. Allele origin: germline. Affected: yes. Study: VKGL Data-share Consensus. Not counted in ClinVar's aggregate classification.

Joint Genome Diagnostic Labs from Nijmegen and Maastricht, Radboudumc and MUMC+
Classification: Benign. Review status: no assertion criteria provided. Collection method: clinical testing. Allele origin: germline. Affected: yes. Study: VKGL Data-share Consensus. Not counted in ClinVar's aggregate classification.